The following is an entry in ClinVar:

NM_001099922.3(ALG13):c.2543T>C (p.Ile848Thr)

Gene: ALG13 (ALG13 UDP-N-acetylglucosaminyltransferase subunit; plus strand). Cytogenetic location: Xq23.
Variant type: single nucleotide variant.
Coding change: c.2543T>C on transcript NM_001099922.3 (MANE Select); coding-DNA position 2543, T replaced by C.
Protein change: p.Ile848Thr; replaces isoleucine 848 with threonine.
Molecular consequence: missense variant. On other transcripts: non-coding transcript variant (1).
Genome position (GRCh38, 1-based): chrX:111,736,727, T>C. VCF-style: chrX-111736727-T-C. GRCh37 (hg19) VCF-style: chrX-110979955-T-C.
Other names: c.2231T>C, p.Ile744Thr (NM_001257230.2, NM_001257234.2, NM_001257237.2); c.2309T>C, p.Ile770Thr (NM_001257231.2); c.2543T>C, p.Ile848Thr (NM_001324292.2); c.2057T>C, p.Ile686Thr (NM_001324293.1); short protein forms I686T, I744T, I770T, I848T.
Identifiers: ClinVar variation 999585 (VCV000999585.11), dbSNP rs201541531, ClinGen allele CA334445212.

ClinVar aggregate classification (germline): Uncertain significance (1 of 4 stars; one submission).

Conditions:
Developmental and epileptic encephalopathy, 36 (DEE36). Also called: Epileptic encephalopathy, early infantile, 36; ALG13-CDG; Congenital disorder of glycosylation, type Is. Identifiers: Orphanet 324422, MedGen C4317295, MONDO:0010472, OMIM 300884.

Allele frequency attached by ClinVar (database versions not stated): gnomAD 0.00001; TOPMed 0.00001; gnomAD exomes 0.00001.
gnomAD v4.1: 12 of 1,207,611 alleles (0.00099%); highest among the groups gnomAD compares: Non-Finnish European, 0.0012%; no homozygotes.

Submission:

Labcorp Genetics (formerly Invitae), Labcorp
Classification: Uncertain significance for Developmental and epileptic encephalopathy, 36. Last evaluated: 2024-02-24. Review status: criteria provided, single submitter. Criteria: Invitae Variant Classification Sherloc (09022015). Collection method: clinical testing. Allele origin: germline.
Comment: This sequence change replaces isoleucine, which is neutral and non-polar, with threonine, which is neutral and polar, at codon 848 of the ALG13 protein (p.Ile848Thr). This variant is not present in population databases (gnomAD no frequency). This variant has not been reported in the literature in individuals affected with ALG13-related conditions. ClinVar contains an entry for this variant (Variation ID: 999585). Advanced modeling of protein sequence and biophysical properties (such as structural, functional, and spatial information, amino acid conservation, physicochemical variation, residue mobility, and thermodynamic stability) performed at Invitae indicates that this missense variant is not expected to disrupt ALG13 protein function with a negative predictive value of 80%. In summary, the available evidence is currently insufficient to determine the role of this variant in disease. Therefore, it has been classified as a Variant of Uncertain Significance.